The following is an entry in ClinVar:

NM_000702.4(ATP1A2):c.1477C>T (p.Arg493Ter)

Gene: ATP1A2 (ATPase Na+/K+ transporting subunit alpha 2; plus strand). Cytogenetic location: 1q23.2.
Variant type: single nucleotide variant.
Coding change: c.1477C>T on transcript NM_000702.4 (MANE Select); coding-DNA position 1477, C replaced by T.
Protein change: p.Arg493Ter; replaces arginine 493 with a stop codon.
Molecular consequence: nonsense.
Genome position (GRCh38, 1-based): chr1:160,130,117, C>T. VCF-style: chr1-160130117-C-T. GRCh37 (hg19) VCF-style: chr1-160099907-C-T.
Other names: short protein forms R493*.
Identifiers: ClinVar variation 2775453 (VCV002775453.5), dbSNP rs534696343, ClinGen allele CA1194503.

ClinVar aggregate classification (germline): Pathogenic/Likely pathogenic. Review status: criteria provided, multiple submitters, no conflicts (2 of 4 stars). 3 submissions from 3 submitters: Pathogenic (1); Likely pathogenic (2). Last evaluated 2024-05-15.

Conditions:
Familial hemiplegic migraine. Identifiers: MedGen C0338484, MONDO:0000700.
Fetal akinesia, respiratory insufficiency, microcephaly, polymicrogyria, and dysmorphic facies. Identifiers: MedGen C5562015, MONDO:0859204, OMIM 619602.

gnomAD v4.1: 3 of 1,614,190 alleles (0.00019%); highest among the groups gnomAD compares: Non-Finnish European, 0.00017%; no homozygotes.

Submissions (3):

Labcorp Genetics (formerly Invitae), Labcorp
Classification: Pathogenic for Familial hemiplegic migraine. Last evaluated: 2024-05-15. Review status: criteria provided, single submitter. Criteria: Invitae Variant Classification Sherloc (09022015). Collection method: clinical testing. Allele origin: germline.
Comment: This sequence change creates a premature translational stop signal (p.Arg493*) in the ATP1A2 gene. It is expected to result in an absent or disrupted protein product. Loss-of-function variants in ATP1A2 are known to be pathogenic (PMID: 30690204). This variant is present in population databases (rs534696343, gnomAD 0.002%). This variant has not been reported in the literature in individuals affected with ATP1A2-related conditions. For these reasons, this variant has been classified as Pathogenic.

Institute of Human Genetics, University of Goettingen
Classification: Likely pathogenic for Fetal akinesia, respiratory insufficiency, microcephaly, polymicrogyria, and dysmorphic facies. Last evaluated: 2024-02-09. Review status: criteria provided, single submitter. Criteria: ACMG Guidelines, 2015. Collection method: clinical testing. Allele origin: unknown. Inheritance: Autosomal recessive inheritance. Observed: 1 heterozygote.

GeneDx
Classification: Likely pathogenic. Last evaluated: 2023-10-19. Review status: criteria provided, single submitter. Criteria: GeneDx Variant Classification Process June 2021. Collection method: clinical testing. Allele origin: germline. Affected: yes.
Comment: Nonsense variant predicted to result in protein truncation or nonsense mediated decay in a gene for which loss of function is a known mechanism of disease; Not observed at significant frequency in large population cohorts (gnomAD); Has not been previously published as pathogenic or benign in association with neurodevelopmental disorders to our knowledge; This variant is associated with the following publications: (PMID: 24463508)

Literature cited by the submitters: PubMed 30690204 (cited by Labcorp Genetics (formerly Invitae), Labcorp).